The following is an entry in ClinVar:

ClinVar aggregate classification (germline): Uncertain significance. Review status: criteria provided, multiple submitters, no conflicts (2 of 4 stars). 2 submissions from 2 submitters: Uncertain significance (2). Last evaluated 2025-03-02.

Conditions:
Inborn genetic diseases. Identifiers: MedGen C0950123, MeSH D030342.

Allele frequency attached by ClinVar (database versions not stated): gnomAD 0.00002; TOPMed 0.00002; ExAC 0.00005; gnomAD exomes 0.00006; ESP Exome Variant Server 0.00008.

Submissions (2):

Labcorp Genetics (formerly Invitae), Labcorp
Classification: Uncertain significance. Last evaluated: 2025-03-02. Review status: criteria provided, single submitter. Criteria: Invitae Variant Classification Sherloc (09022015). Collection method: clinical testing. Allele origin: germline.
Comment: This sequence change replaces glycine, which is neutral and non-polar, with serine, which is neutral and polar, at codon 42 of the TRPV6 protein (p.Gly42Ser). This variant is present in population databases (rs376672551, gnomAD 0.007%). This variant has not been reported in the literature in individuals affected with TRPV6-related conditions. ClinVar contains an entry for this variant (Variation ID: 2390697). Experimental studies and prediction algorithms are not available or were not evaluated, and the functional significance of this variant is currently unknown. In summary, the available evidence is currently insufficient to determine the role of this variant in disease. Therefore, it has been classified as a Variant of Uncertain Significance.

Ambry Genetics
Classification: Uncertain significance for Inborn genetic diseases. Last evaluated: 2022-10-12. Review status: criteria provided, single submitter. Criteria: Ambry Variant Classification Scheme 2023. Collection method: clinical testing. Allele origin: germline.

NM_018646.6(TRPV6):c.124G>A (p.Gly42Ser)

Gene: TRPV6 (transient receptor potential cation channel subfamily V member 6; minus strand). Cytogenetic location: 7q34.
Variant type: single nucleotide variant.
Coding change: c.124G>A on transcript NM_018646.6 (MANE Select); coding-DNA position 124, G replaced by A.
Protein change: p.Gly42Ser; replaces glycine 42 with serine.
Molecular consequence: missense variant.
Genome position (GRCh38, 1-based): chr7:142,885,513, C>T on the plus strand (G>A on the coding strand, the complement: TRPV6 is on the minus strand). VCF-style: chr7-142885513-C-T. GRCh37 (hg19) VCF-style: chr7-142583258-C-T.
Other names: short protein forms G42S.
Identifiers: ClinVar variation 2390697 (VCV002390697.3), dbSNP rs376672551, ClinGen allele CA4532977.